The following is an entry in ClinVar:

ClinVar aggregate classification (germline): Likely benign (1 of 4 stars; one submission).

Submission:

CeGaT Center for Human Genetics Tuebingen
Classification: Likely benign. Last evaluated: 2026-08-01. Review status: criteria provided, single submitter. Criteria: CeGaT Center For Human Genetics Tuebingen Variant Classification Criteria Version 2. Collection method: clinical testing. Allele origin: germline. Affected: yes. Observed: 1 variant allele.
Comment: MACF1: PM2:Supporting, BP4, BP7

NM_001394062.1(MACF1):c.18003T>C (p.Ile6001=)

Gene: MACF1 (microtubule actin crosslinking factor 1; plus strand). Cytogenetic location: 1p34.3.
Variant type: single nucleotide variant.
Coding change: c.18003T>C on transcript NM_001394062.1 (MANE Select); coding-DNA position 18003, T replaced by C.
Protein change: p.Ile6001=; no amino-acid change (isoleucine 6001 retained).
Molecular consequence: synonymous variant.
Genome position (GRCh38, 1-based): chr1:39,437,791, T>C. VCF-style: chr1-39437791-T-C. GRCh37 (hg19) VCF-style: chr1-39903463-T-C.
Other names: c.6081T>C, p.Ile2027= (NM_001397473.1); c.11826T>C, p.Ile3942= (NM_012090.5).
Identifiers: ClinVar variation 5040410 (VCV005040410.1).
Genomic context (GRCh38, chr1:39,437,791, plus strand): 5'-GAGTGATGAGGTATGCTGTGATGGTAATGTTCCAACATTTGTTTAGTTTCATGATAAAAT[T>C]GAGCCTATGTTGGAGACACTGGAGAATCTTTCCTCTCGCCTGCGTATGCCACCACTGATC-3'
Protein context (NP_001380991.1, residues 5991-6011): VSQSTQFHDK[Ile6001=]EPMLETLENL